The following is an entry in ClinVar:

NM_000049.4(ASPA):c.147dup (p.Pro50fs)

Genes: ASPA (aspartoacylase; plus strand), SPATA22 (spermatogenesis associated 22; minus strand). Cytogenetic location: 17p13.2.
Variant type: Duplication.
Coding change: c.147dup on transcript NM_000049.4 (MANE Select); coding-DNA position 147, one base duplicated (A; older notation c.147dupA).
Protein change: p.Pro50fs; shifts the reading frame from proline 50.
Molecular consequence: frameshift variant. On other transcripts: intron variant (2).
Genome position (GRCh38, 1-based): chr17:3,476,306, A duplicated; the last of 4 consecutive A bases (chr17:3,476,303-3,476,306); duplicating any one gives the same sequence. VCF-style (leftmost placement, unchanged base first): chr17-3476302-T-TA. GRCh37 (hg19) VCF-style: chr17-3379596-T-TA.
Other names: c.147dup, p.Pro50fs (NM_001128085.1); c.-73-6905dup (NM_001321336.2, NM_001321337.2); short protein forms P50fs.
Identifiers: ClinVar variation 661638 (VCV000661638.9), dbSNP rs1597422432, ClinGen allele CA915949464.

ClinVar aggregate classification (germline): Pathogenic/Likely pathogenic. Review status: criteria provided, multiple submitters, no conflicts (2 of 4 stars). 3 submissions from 3 submitters: Pathogenic (1); Likely pathogenic (2). Last evaluated 2025-10-07.

Conditions:
Spongy degeneration of central nervous system. Also called: Von Bogaert-Bertrand disease; ACY2 DEFICIENCY; AMINOACYLASE 2 DEFICIENCY; ASP DEFICIENCY; ASPA DEFICIENCY; ASPARTOACYLASE DEFICIENCY. Identifiers: Orphanet 141, MedGen C0206307, MONDO:0010079, OMIM 271900.

Submissions (3):

Natera, Inc.
Classification: Likely pathogenic for Canavan Disease. Last evaluated: 2025-10-07. Review status: criteria provided, single submitter. Criteria: Natera Variant Classification Schema (03/2026). Collection method: clinical testing. Allele origin: germline.
Comment: The c.147dupA variant in ASPA is a frameshift variant predicted to shift the reading frame beginning at codon 50 and leads to a stop codon 5 codons downstream. This variant is expected to result in nonsense mediated decay, truncation, or a dysfunctional protein product. This variant is rare in the general population with a frequency below the threshold expected for the associated phenotype(s). Given the available evidence, this variant is classified as Likely Pathogenic.

Baylor Genetics
Classification: Likely pathogenic for Spongy degeneration of central nervous system. Last evaluated: 2023-05-04. Review status: criteria provided, single submitter. Criteria: ACMG Guidelines, 2015. Collection method: clinical testing. Allele origin: unknown.

Labcorp Genetics (formerly Invitae), Labcorp
Classification: Pathogenic for Spongy degeneration of central nervous system. Last evaluated: 2021-10-04. Review status: criteria provided, single submitter. Criteria: Invitae Variant Classification Sherloc (09022015). Collection method: clinical testing. Allele origin: germline.
Comment: This sequence change creates a premature translational stop signal (p.Pro50Thrfs*5) in the ASPA gene. It is expected to result in an absent or disrupted protein product. This variant is not present in population databases (ExAC no frequency). This variant has not been reported in the literature in individuals with ASPA-related conditions. ClinVar contains an entry for this variant (Variation ID: 661638). Loss-of-function variants in ASPA are known to be pathogenic (PMID: 12638939). For these reasons, this variant has been classified as Pathogenic.

Literature cited by the submitters: PubMed 12638939 (cited by Labcorp Genetics (formerly Invitae), Labcorp).